The following is an entry in ClinVar:

NM_020207.7(ERCC6L2):c.670G>A (p.Val224Ile)

Gene: ERCC6L2 (ERCC excision repair 6 like 2; plus strand). Cytogenetic location: 9q22.32.
Variant type: single nucleotide variant.
Coding change: c.670G>A on transcript NM_020207.7 (MANE Select); coding-DNA position 670, G replaced by A.
Protein change: p.Val224Ile; replaces valine 224 with isoleucine.
Molecular consequence: missense variant. On other transcripts: non-coding transcript variant (1).
Genome position (GRCh38, 1-based): chr9:95,907,153, G>A. VCF-style: chr9-95907153-G-A. GRCh37 (hg19) VCF-style: chr9-98669435-G-A.
Other names: c.670G>A, p.Val224Ile (NM_001010895.4, NM_001375291.1, NM_001375292.1 and 2 more transcripts); short protein forms V224I.
Identifiers: ClinVar variation 4250560 (VCV004250560.1).

ClinVar aggregate classification (germline): Uncertain significance (1 of 4 stars; one submission).

Conditions:
Inborn genetic diseases. Identifiers: MedGen C0950123, MeSH D030342.

Submission:

Ambry Genetics
Classification: Uncertain significance for Inborn genetic diseases. Last evaluated: 2025-06-27. Review status: criteria provided, single submitter. Criteria: Ambry Variant Classification Scheme 2023. Collection method: clinical testing. Allele origin: germline.
Comment: The p.V224I variant (also known as c.670G>A), located in coding exon 4 of the ERCC6L2 gene, results from a G to A substitution at nucleotide position 670. The valine at codon 224 is replaced by isoleucine, an amino acid with highly similar properties. This amino acid position is conserved. In addition, the in silico prediction for this alteration is inconclusive. Based on the available evidence, the clinical significance of this variant remains unclear.